The following is an entry in ClinVar:

NM_016616.5(NME8):c.1417G>A (p.Val473Ile)

Gene: NME8 (NME/NM23 family member 8; plus strand). Cytogenetic location: 7p14.1.
Variant type: single nucleotide variant.
Coding change: c.1417G>A on transcript NM_016616.5 (MANE Select); coding-DNA position 1417, G replaced by A.
Protein change: p.Val473Ile; replaces valine 473 with isoleucine.
Molecular consequence: missense variant.
Genome position (GRCh38, 1-based): chr7:37,894,483, G>A. VCF-style: chr7-37894483-G-A. GRCh37 (hg19) VCF-style: chr7-37934085-G-A.
Other names: c.1417G>A (NM_016616.4); short protein forms V473I.
Identifiers: ClinVar variation 2001991 (VCV002001991.5), dbSNP rs1176910976, ClinGen allele CA367216604.

ClinVar aggregate classification (germline): Conflicting classifications of pathogenicity. Review status: criteria provided, conflicting classifications (1 of 4 stars). 2 submissions from 2 submitters: Uncertain significance (1); Likely benign (1). Last evaluated 2025-05-19.

Conditions:
Primary ciliary dyskinesia. Also called: Ciliary dyskinesia. Identifiers: Orphanet 244, MedGen C0008780, MONDO:0016575, HP:0012265.
Primary ciliary dyskinesia 6. Also called: Primary Ciliary Dyskinesia 6: TXNDC3-Related Primary Ciliary Dyskinesia. Identifiers: Orphanet 244, MedGen C1970506, MONDO:0012571, OMIM 610852.

Allele frequency attached by ClinVar (database versions not stated): gnomAD exomes below 0.00001.
gnomAD v4.1: 1 of 1,613,032 alleles (0.000062%); highest among the groups gnomAD compares: East Asian, 0.0022%; no homozygotes.

Submissions (2):

Ambry Genetics
Classification: Likely benign for Primary ciliary dyskinesia. Last evaluated: 2025-05-19. Review status: criteria provided, single submitter. Criteria: Ambry Variant Classification Scheme 2023. Collection method: clinical testing. Allele origin: germline.

Labcorp Genetics (formerly Invitae), Labcorp
Classification: Uncertain significance for Primary ciliary dyskinesia 6. Last evaluated: 2022-11-01. Review status: criteria provided, single submitter. Criteria: Invitae Variant Classification Sherloc (09022015). Collection method: clinical testing. Allele origin: germline.
Comment: This sequence change replaces valine, which is neutral and non-polar, with isoleucine, which is neutral and non-polar, at codon 473 of the NME8 protein (p.Val473Ile). This variant is present in population databases (no rsID available, gnomAD 0.006%). This variant has not been reported in the literature in individuals affected with NME8-related conditions. Advanced modeling of protein sequence and biophysical properties (such as structural, functional, and spatial information, amino acid conservation, physicochemical variation, residue mobility, and thermodynamic stability) performed at Invitae indicates that this missense variant is not expected to disrupt NME8 protein function. Algorithms developed to predict the effect of sequence changes on RNA splicing suggest that this variant may create or strengthen a splice site. In summary, the available evidence is currently insufficient to determine the role of this variant in disease. Therefore, it has been classified as a Variant of Uncertain Significance.